The following is an entry in ClinVar:

NM_001845.6(COL4A1):c.4800C>T (p.Ser1600=)

Gene: COL4A1 (collagen type IV alpha 1 chain; minus strand). Cytogenetic location: 13q34.
Variant type: single nucleotide variant.
Coding change: c.4800C>T on transcript NM_001845.6 (MANE Select); coding-DNA position 4800, C replaced by T.
Protein change: p.Ser1600=; no amino-acid change (serine 1600 retained).
Molecular consequence: synonymous variant.
Genome position (GRCh38, 1-based): chr13:110,152,462, G>A on the plus strand (C>T on the coding strand, the complement: COL4A1 is on the minus strand). VCF-style: chr13-110152462-G-A. GRCh37 (hg19) VCF-style: chr13-110804809-G-A.
Other names: p.Ser1600=.
Identifiers: ClinVar variation 258260 (VCV000258260.27), dbSNP rs650724, ClinGen allele CA7046795.

ClinVar aggregate classification (germline): Benign. Review status: criteria provided, multiple submitters, no conflicts (2 of 4 stars). 12 submissions from 11 submitters: Benign (10). 2 of the submissions do not count toward it. Last evaluated 2026-02-04.

Conditions:
Autosomal dominant familial hematuria-retinal arteriolar tortuosity-contractures syndrome. Also called: Angiopathy, hereditary, with nephropathy, aneurysms, and muscle cramps; Hereditary Angiopathy with Nephropathy, Aneurysms, and Muscle Cramps (HANAC) Syndrome. Identifiers: Orphanet 73229, MedGen C2673195, MONDO:0012726, OMIM 611773.
Brain small vessel disease 1 with or without ocular anomalies (BSVD1). Also called: BRAIN SMALL VESSEL DISEASE WITH HEMORRHAGE; PORENCEPHALY, TYPE 1, AUTOSOMAL DOMINANT; GOULD SYNDROME 1; Brain small vessel disease with or without ocular anomalies. Identifiers: Orphanet 2940, Orphanet 36383, Orphanet 99810, MedGen C4755307, MONDO:0008289, OMIM 175780.

Allele frequency attached by ClinVar (database versions not stated): ExAC 0.11162; gnomAD exomes 0.11283; 1000 Genomes Project 0.12660; 1000 Genomes Project 30x 0.13086; gnomAD 0.13144 and 0.13448; ESP Exome Variant Server 0.13394; TOPMed 0.14364.
gnomAD v4.1: 161,458 of 1,613,748 alleles (10%); highest among the groups gnomAD compares: Admixed American, 22%; 9,606 homozygotes.

Submissions (12):

Labcorp Genetics (formerly Invitae), Labcorp
Classification: Benign. Last evaluated: 2026-02-04. Review status: criteria provided, single submitter. Criteria: Invitae Variant Classification Sherloc (09022015). Collection method: clinical testing. Allele origin: germline.

Blueprint Genetics
Classification: Benign. Last evaluated: 2024-11-27. Review status: criteria provided, single submitter. Criteria: ACMG Guidelines, 2015. Collection method: clinical testing. Allele origin: germline.

Mayo Clinic Laboratories, Mayo Clinic
Classification: Benign. Last evaluated: 2022-04-26. Review status: criteria provided, single submitter. Criteria: ACMG Guidelines, 2015. Collection method: clinical testing. Allele origin: germline. Observed: 293 variant alleles.

Illumina Laboratory Services, Illumina
Classification: Benign for Autosomal dominant familial hematuria-retinal arteriolar tortuosity-contractures syndrome. Last evaluated: 2018-01-13. Review status: criteria provided, single submitter. Criteria: ICSL Variant Classification Criteria 13 December 2019. Collection method: clinical testing. Allele origin: germline.
Comment: This variant was observed in the ICSL laboratory as part of a predisposition screen in an ostensibly healthy population. It had not been previously curated by ICSL or reported in the Human Gene Mutation Database (HGMD: prior to June 1st, 2018), and was therefore a candidate for classification through an automated scoring system. Utilizing variant allele frequency, disease prevalence and penetrance estimates, and inheritance mode, an automated score was calculated to assess if this variant is too frequent to cause the disease. Based on the score and internal cut-off values, a variant classified as benign is not then subjected to further curation. The score for this variant resulted in a classification of benign for this disease.

Illumina Laboratory Services, Illumina
Classification: Benign for Brain small vessel disease 1 with or without ocular anomalies. Last evaluated: 2018-01-13. Review status: criteria provided, single submitter. Criteria: ICSL Variant Classification Criteria 13 December 2019. Collection method: clinical testing. Allele origin: germline.
Comment: the same text as in the submission from Illumina Laboratory Services, Illumina above.

GeneDx
Classification: Benign. Last evaluated: 2017-11-14. Review status: criteria provided, single submitter. Criteria: GeneDx Variant Classification (06012015). Collection method: clinical testing. Allele origin: germline. Affected: yes.
Comment: This variant is considered likely benign or benign based on one or more of the following criteria: it is a conservative change, it occurs at a poorly conserved position in the protein, it is predicted to be benign by multiple in silico algorithms, and/or has population frequency not consistent with disease.

Athena Diagnostics
Classification: Benign for Brain small vessel disease 1 with or without ocular anomalies. Last evaluated: 2017-06-01. Review status: criteria provided, single submitter. Criteria: Athena Diagnostics Criteria. Collection method: clinical testing. Allele origin: germline.

Eurofins Ntd Llc (ga)
Classification: Benign. Last evaluated: 2016-03-09. Review status: criteria provided, single submitter. Criteria: EGL Classification Definitions 2015. Collection method: clinical testing. Allele origin: germline. Observed: 1 variant allele, 1 heterozygote.

Breakthrough Genomics
Classification: Benign. Review status: criteria provided, single submitter. Criteria: ACMG Guidelines, 2015. Collection method: not provided. Allele origin: germline. Inheritance: Autosomal dominant inheritance. Affected: yes.

PreventionGenetics, part of Exact Sciences
Classification: Benign. Review status: criteria provided, single submitter. Criteria: ACMG Guidelines, 2015. Collection method: clinical testing. Allele origin: germline.

Clinical Genetics DNA and cytogenetics Diagnostics Lab, Erasmus MC, Erasmus Medical Center
Classification: Benign. Review status: no assertion criteria provided. Collection method: clinical testing. Allele origin: germline. Affected: yes. Study: VKGL Data-share Consensus. Not counted in ClinVar's aggregate classification.

Joint Genome Diagnostic Labs from Nijmegen and Maastricht, Radboudumc and MUMC+
Classification: Benign. Review status: no assertion criteria provided. Collection method: clinical testing. Allele origin: germline. Affected: yes. Study: VKGL Data-share Consensus. Not counted in ClinVar's aggregate classification.